The following is an entry in ClinVar:

ClinVar aggregate classification (germline): Uncertain significance. Review status: criteria provided, multiple submitters, no conflicts (2 of 4 stars). 6 submissions from 6 submitters: Uncertain significance (5). 1 of the submissions does not count toward it. Last evaluated 2026-09-07.

Conditions:
CDH23-related disorder. Also called: CDH23-related condition; CDH23-related disorders.
Usher syndrome type 1 (USH1). Also called: RETINITIS PIGMENTOSA AND CONGENITAL DEAFNESS. Identifiers: Orphanet 231169, Orphanet 886, MedGen C1568247, MONDO:0010168, OMIM 276900.

Allele frequency attached by ClinVar (database versions not stated): ExAC 0.00003; gnomAD exomes 0.00004 and 0.00005; ESP Exome Variant Server 0.00008; TOPMed 0.00008; gnomAD 0.00013.
gnomAD v4.1: 73 of 1,613,762 alleles (0.0045%); highest among the groups gnomAD compares: Admixed American, 0.042%; no homozygotes.

Submissions (6):

PreventionGenetics, part of Exact Sciences
Classification: Uncertain significance for CDH23-related condition. Last evaluated: 2026-09-07. Review status: criteria provided, single submitter. Criteria: ACMG Guidelines, 2015. Collection method: clinical testing. Allele origin: germline.
Comment: The CDH23 c.5187G>A variant is not predicted to result in an amino acid change (p.=). To our knowledge, this variant has not been reported in the literature. This variant is reported in 0.020% of alleles in individuals of Latino descent in gnomAD. At this time, the clinical significance of this variant is uncertain due to the absence of conclusive functional and genetic evidence.

GeneDx
Classification: Uncertain significance. Last evaluated: 2024-07-19. Review status: criteria provided, single submitter. Criteria: GeneDx Variant Classification Process June 2021. Collection method: clinical testing. Allele origin: germline. Affected: yes.
Comment: In silico analysis suggests this variant may impact gene splicing. In the absence of RNA/functional studies, the actual effect of this sequence change is unknown.; Has not been previously published as pathogenic or benign to our knowledge

CeGaT Center for Human Genetics Tuebingen
Classification: Uncertain significance. Last evaluated: 2024-05-01. Review status: criteria provided, single submitter. Criteria: CeGaT Center For Human Genetics Tuebingen Variant Classification Criteria Version 2. Collection method: clinical testing. Allele origin: germline. Affected: yes. Observed: 1 variant allele.
Comment: CDH23: PM2:Supporting, PP3

Women's Health and Genetics/Laboratory Corporation of America, LabCorp
Classification: Uncertain significance. Last evaluated: 2023-11-01. Review status: criteria provided, single submitter. Criteria: LabCorp Variant Classification Summary - May 2015. Collection method: clinical testing. Allele origin: germline.
Comment: Variant summary: CDH23 c.5187G>A (p.Thr1729Thr) alters the conserved last nucleotide of exon 40 adjacent to the canonical splice site and therefore could affect mRNA splicing, leading to a significantly altered protein sequence. Several computational tools predict a significant impact on normal splicing: Four predict the variant abolishes or weakens a 5' splicing donor site and four predict the variant additionally creates a 3' acceptor site. However, these predictions have yet to be confirmed by functional studies. The variant allele was found at a frequency of 4.8e-05 in 248930 control chromosomes. This frequency is not significantly higher than estimated for a pathogenic variant in CDH23 causing Usher Syndrome (4.8e-05 vs 0.0032), allowing no conclusion about variant significance. To our knowledge, no occurrence of c.5187G>A in individuals affected with Usher Syndrome and no experimental evidence demonstrating its impact on protein function have been reported. Two submitters have cited clinical-significance assessments for this variant to ClinVar after 2014. All submitters classified the variant as uncertain significance. Based on the evidence outlined above, the variant was classified as uncertain significance.

Labcorp Genetics (formerly Invitae), Labcorp
Classification: Uncertain significance. Last evaluated: 2022-05-03. Review status: criteria provided, single submitter. Criteria: Invitae Variant Classification Sherloc (09022015). Collection method: clinical testing. Allele origin: germline.
Comment: This sequence change affects codon 1729 of the CDH23 mRNA. It is a 'silent' change, meaning that it does not change the encoded amino acid sequence of the CDH23 protein. This variant also falls at the last nucleotide of exon 40, which is part of the consensus splice site for this exon. The frequency data for this variant in the population databases is considered unreliable, as metrics indicate poor data quality at this position in the gnomAD database. This variant has not been reported in the literature in individuals affected with CDH23-related conditions. ClinVar contains an entry for this variant (Variation ID: 941895). Variants that disrupt the consensus splice site are a relatively common cause of aberrant splicing (PMID: 17576681, 9536098). Algorithms developed to predict the effect of sequence changes on RNA splicing suggest that this variant may create or strengthen a splice site. In summary, the available evidence is currently insufficient to determine the role of this variant in disease. Therefore, it has been classified as a Variant of Uncertain Significance.

Natera, Inc.
Classification: Uncertain significance for Usher syndrome type 1. Last evaluated: 2020-03-24. Review status: no assertion criteria provided. Collection method: clinical testing. Allele origin: germline. Not counted in ClinVar's aggregate classification.

Literature cited by the submitters: PubMed 17576681 (cited by Labcorp Genetics (formerly Invitae), Labcorp); PubMed 9536098 (cited by Labcorp Genetics (formerly Invitae), Labcorp).

NM_022124.6(CDH23):c.5187G>A (p.Thr1729=)

Gene: CDH23 (cadherin related 23; plus strand). Cytogenetic location: 10q22.1.
Variant type: single nucleotide variant.
Coding change: c.5187G>A on transcript NM_022124.6 (MANE Select); coding-DNA position 5187, G replaced by A.
Protein change: p.Thr1729=; no amino-acid change (threonine 1729 retained).
Molecular consequence: synonymous variant.
Genome position (GRCh38, 1-based): chr10:71,778,308, G>A. VCF-style: chr10-71778308-G-A. GRCh37 (hg19) VCF-style: chr10-73538065-G-A.
Identifiers: ClinVar variation 941895 (VCV000941895.25), dbSNP rs376386945, ClinGen allele CA5545663.